The following is an entry in ClinVar:

ClinVar aggregate classification (germline): Pathogenic. Review status: criteria provided, multiple submitters, no conflicts (2 of 4 stars). 3 submissions from 3 submitters: Pathogenic (2). 1 of the submissions does not count toward it. Last evaluated 2025-11-11.

Conditions:
Multiple congenital exostosis (EXT). Also called: Hereditary multiple osteochondromas; Multiple osteochondromas; Multiple exostoses; MULTIPLE CARTILAGINOUS EXOSTOSES; Hereditary multiple exostoses; Hereditary multiple exostosis. Identifiers: Orphanet 321, MedGen C0015306, MONDO:0005508, HP:0002762.

Submissions (3):

Labcorp Genetics (formerly Invitae), Labcorp
Classification: Pathogenic for Multiple congenital exostosis. Last evaluated: 2025-11-11. Review status: criteria provided, single submitter. Criteria: Invitae Variant Classification Sherloc (09022015). Collection method: clinical testing. Allele origin: germline.
Comment: This sequence change creates a premature translational stop signal (p.Ser478Profs*10) in the EXT1 gene. It is expected to result in an absent or disrupted protein product. Loss-of-function variants in EXT1 are known to be pathogenic (PMID: 10679937, 11391482, 19810120). This variant is not present in population databases (gnomAD no frequency). This premature translational stop signal has been observed in individual(s) with multiple osteochondromatosis (PMID: 18165274, 23262345). Invitae Evidence Modeling of clinical and family history, age, sex, and reported ancestry of multiple individuals with this EXT1 variant has been performed. This variant is expected to be pathogenic with a positive predictive value of at least 99%. This is a validated machine learning model that incorporates the clinical features of 66,185 individuals referred to our laboratory for EXT1 testing. ClinVar contains an entry for this variant (Variation ID: 947295). For these reasons, this variant has been classified as Pathogenic.

GeneDx
Classification: Pathogenic. Last evaluated: 2021-11-02. Review status: criteria provided, single submitter. Criteria: GeneDx Variant Classification Process June 2021. Collection method: clinical testing. Allele origin: germline. Affected: yes.
Comment: Frameshift variant predicted to result in protein truncation or nonsense mediated decay in a gene for which loss-of-function is a known mechanism of disease; Not observed at significant frequency in large population cohorts (Lek et al., 2016); This variant is associated with the following publications: (PMID: 23262345, 34012378, 18165274)

Department of Cell Biology, School of Life Sciences, Central South University
Classification: Pathogenic for Multiple congenital exostosis. Last evaluated: 2020-02-14. Review status: no assertion criteria provided. Collection method: clinical testing. Allele origin: maternal. Inheritance: Autosomal dominant inheritance. Affected: yes. Observed: 1 heterozygote. Not counted in ClinVar's aggregate classification.

Literature cited by the submitters: PubMed 10679937 (cited by Labcorp Genetics (formerly Invitae), Labcorp); PubMed 11391482 (cited by Labcorp Genetics (formerly Invitae), Labcorp); PubMed 19810120 (cited by Labcorp Genetics (formerly Invitae), Labcorp); PubMed 18165274 (cited by Labcorp Genetics (formerly Invitae), Labcorp); PubMed 23262345 (cited by Labcorp Genetics (formerly Invitae), Labcorp).

NM_000127.3(EXT1):c.1431del (p.Ser478fs)

Gene: EXT1 (exostosin glycosyltransferase 1; minus strand). Cytogenetic location: 8q24.11.
Variant type: Deletion.
Coding change: c.1431del on transcript NM_000127.3 (MANE Select); coding-DNA position 1431, one base deleted (C; older notation c.1431delC).
Protein change: p.Ser478fs; shifts the reading frame from serine 478.
Molecular consequence: frameshift variant.
Genome position (GRCh38, 1-based): chr8:117,819,781, G deleted on the plus strand (C on the coding strand, the reverse complement: EXT1 is on the minus strand); the first of 6 consecutive G bases (chr8:117,819,781-117,819,786); deleting any one gives the same sequence. VCF-style (leftmost placement, unchanged base first): chr8-117819780-AG-A. GRCh37 (hg19) VCF-style: chr8-118832019-AG-A.
Other names: c.1431_1431delC (NM_000127.3); short protein forms S478fs.
Identifiers: ClinVar variation 947295 (VCV000947295.13), dbSNP rs1554578798, ClinGen allele CA1139660725.